The following is an entry in ClinVar:

NM_001035.3(RYR2):c.11189G>A (p.Arg3730Gln)

Gene: RYR2 (ryanodine receptor 2; plus strand). Cytogenetic location: 1q43.
Variant type: single nucleotide variant.
Coding change: c.11189G>A on transcript NM_001035.3 (MANE Select); coding-DNA position 11189, G replaced by A.
Protein change: p.Arg3730Gln; replaces arginine 3730 with glutamine.
Molecular consequence: missense variant.
Genome position (GRCh38, 1-based): chr1:237,756,331, G>A. VCF-style: chr1-237756331-G-A. GRCh37 (hg19) VCF-style: chr1-237919631-G-A.
Other names: c.11189G>A, p.Arg3730Gln (LRG_402t1); short protein forms R3730Q.
Identifiers: ClinVar variation 404219 (VCV000404219.8), dbSNP rs1060500157, ClinGen allele CA16610091.
Genomic context (GRCh38, chr1:237,756,331, plus strand): 5'-TTGGGATTTGTGTTCAGGAAAAAGAAATGGAAAAGCAAAAGCTTCTATACCAGCAAGCCC[G>A]ACTCCACGATCGTGGCGCGGCTGAGATGGTGCTACAGACAATCAGTGCCAGCAAAGGTAA-3'
Protein context (NP_001026.2, residues 3720-3740): EKQKLLYQQA[Arg3730Gln]LHDRGAAEMV

ClinVar aggregate classification (germline): Uncertain significance. Review status: criteria provided, multiple submitters, no conflicts (2 of 4 stars). 3 submissions from 3 submitters: Uncertain significance (3). Last evaluated 2023-12-04.

Conditions:
Catecholaminergic polymorphic ventricular tachycardia (CVPT). Also called: Catecholamine-induced polymorphic ventricular tachycardia. Identifiers: Orphanet 3286, MedGen C5574922, MONDO:0017990.
Cardiomyopathy (CMYO). Also called: Cardiomyopathies. Identifiers: Orphanet 167848, MedGen C0878544, MONDO:0004994, HP:0001638. Inheritance: Various modes of inheritance.

Allele frequency attached by ClinVar (database versions not stated): gnomAD exomes below 0.00001; TOPMed 0.00001.
gnomAD v4.1: 1 of 1,613,564 alleles (0.000062%); highest among the groups gnomAD compares: African/African-American, 0.0013%; no homozygotes.

Submissions (3):

Color Diagnostics, LLC DBA Color Health
Classification: Uncertain significance for Cardiomyopathy. Last evaluated: 2023-12-04. Review status: criteria provided, single submitter. Criteria: ACMG Guidelines, 2015. Collection method: clinical testing. Allele origin: germline.
Comment: Variant of Uncertain Significance due to insufficient evidence: This missense variant replaces arginine with glutamine at codon 3730 of the RYR2 protein. Computational prediction tools and conservation analyses are inconclusive regarding the impact of this variant on the protein function. Computational splicing tools suggest that this variant may not impact RNA splicing. To our knowledge, functional assays have not been performed for this variant nor has this variant been reported in individuals affected with cardiovascular disorders in the literature. This variant has not been identified in the general population by the Genome Aggregation Database (gnomAD). Available evidence is insufficient to determine the role of this variant in disease conclusively.

All of Us Research Program, National Institutes of Health
Classification: Uncertain significance for Catecholaminergic polymorphic ventricular tachycardia. Last evaluated: 2023-11-20. Review status: criteria provided, single submitter. Criteria: ACMG Guidelines, 2015. Collection method: clinical testing. Allele origin: germline. Inheritance: Autosomal dominant inheritance. Observed: 1 variant allele, 1 heterozygote.
Comment: Variant of Uncertain Significance due to insufficient evidence: This missense variant replaces arginine with glutamine at codon 3730 of the RYR2 protein. Computational prediction tools and conservation analyses are inconclusive regarding the impact of this variant on the protein function. Computational splicing tools suggest that this variant may not impact RNA splicing. To our knowledge, functional assays have not been performed for this variant nor has this variant been reported in individuals affected with cardiovascular disorders in the literature. This variant has not been identified in the general population by the Genome Aggregation Database (gnomAD). Available evidence is insufficient to determine the role of this variant in disease conclusively.

This study involves interpretation of variants in research participants for the purpose of population health screening. Participant phenotype was not available at the time of variant classification. Additional details can be found in publication PMID: 35346344, PMCID: PMC8962531

Labcorp Genetics (formerly Invitae), Labcorp
Classification: Uncertain significance for Catecholaminergic polymorphic ventricular tachycardia. Last evaluated: 2018-05-15. Review status: criteria provided, single submitter. Criteria: Invitae Variant Classification Sherloc (09022015). Collection method: clinical testing. Allele origin: germline.
Comment: This sequence change replaces arginine with glutamine at codon 3730 of the RYR2 protein (p.Arg3730Gln). The arginine residue is highly conserved and there is a small physicochemical difference between arginine and glutamine. This variant is not present in population databases (ExAC no frequency) and has not been reported in the literature in individuals with a RYR2-related disease.Â¬â€ ClinVar contains an entry for this variant (Variation ID: 404219). Algorithms developed to predict the effect of missense changes on protein structure and function do not agree on the potential impact of this missense change (SIFT: "Deleterious"; PolyPhen-2: "Possibly Damaging"; Align-GVGD: "Class C0"). In summary, this variant is a novel missense change with uncertain impact on protein function. It has been classified as a Variant of Uncertain Significance.